The following is an entry in ClinVar:

NM_006031.6(PCNT):c.5858G>A (p.Arg1953His)

Gene: PCNT (pericentrin; plus strand). Cytogenetic location: 21q22.3.
Variant type: single nucleotide variant.
Coding change: c.5858G>A on transcript NM_006031.6 (MANE Select); coding-DNA position 5858, G replaced by A.
Protein change: p.Arg1953His; replaces arginine 1953 with histidine.
Molecular consequence: missense variant.
Genome position (GRCh38, 1-based): chr21:46,411,931, G>A. VCF-style: chr21-46411931-G-A. GRCh37 (hg19) VCF-style: chr21-47831845-G-A.
Other names: p.R1953H:CGC>CAC; c.5504G>A, p.Arg1835His (NM_001315529.2); short protein forms R1953H, R1835H.
Identifiers: ClinVar variation 95340 (VCV000095340.24), dbSNP rs34268261, ClinGen allele CA148449.

ClinVar aggregate classification (germline): Benign. Review status: criteria provided, multiple submitters, no conflicts (2 of 4 stars). 9 submissions from 9 submitters: Benign (7). 2 of the submissions do not count toward it. Last evaluated 2026-02-02.

Conditions:
Microcephalic osteodysplastic primordial dwarfism type II (MOPD2). Also called: Microcephalic osteodysplastic primordial dwarfism with tooth abnormalities; OSTEODYSPLASTIC PRIMORDIAL DWARFISM, TYPE II; MOPD II. Identifiers: Orphanet 2637, MedGen C0432246, MONDO:0008872, OMIM 210720.

Allele frequency attached by ClinVar (database versions not stated): gnomAD exomes 0.04423; 1000 Genomes Project 30x 0.02327; ESP Exome Variant Server 0.04936; 1000 Genomes Project 0.02336; gnomAD 0.04870 and 0.05068; ExAC 0.06894; TOPMed 0.04415.
gnomAD v4.1: 86,111 of 1,592,096 alleles (5.4%); highest among the groups gnomAD compares: Non-Finnish European, 6.1%; 2,654 homozygotes.

Submissions (9):

Labcorp Genetics (formerly Invitae), Labcorp
Classification: Benign. Last evaluated: 2026-02-02. Review status: criteria provided, single submitter. Criteria: Invitae Variant Classification Sherloc (09022015). Collection method: clinical testing. Allele origin: germline.

Blueprint Genetics
Classification: Benign. Last evaluated: 2024-11-28. Review status: criteria provided, single submitter. Criteria: ACMG Guidelines, 2015. Collection method: clinical testing. Allele origin: germline.

Illumina Laboratory Services, Illumina
Classification: Benign for Microcephalic osteodysplastic primordial dwarfism type II. Last evaluated: 2018-01-13. Review status: criteria provided, single submitter. Criteria: ICSL Variant Classification Criteria 13 December 2019. Collection method: clinical testing. Allele origin: germline.
Comment: This variant was observed in the ICSL laboratory as part of a predisposition screen in an ostensibly healthy population. It had not been previously curated by ICSL or reported in the Human Gene Mutation Database (HGMD: prior to June 1st, 2018), and was therefore a candidate for classification through an automated scoring system. Utilizing variant allele frequency, disease prevalence and penetrance estimates, and inheritance mode, an automated score was calculated to assess if this variant is too frequent to cause the disease. Based on the score and internal cut-off values, a variant classified as benign is not then subjected to further curation. The score for this variant resulted in a classification of benign for this disease.

GeneDx
Classification: Benign. Last evaluated: 2014-03-31. Review status: criteria provided, single submitter. Criteria: GeneDx Variant Classification (06012015). Collection method: clinical testing. Allele origin: germline. Affected: yes.
Comment: This variant is considered likely benign or benign based on one or more of the following criteria: it is a conservative change, it occurs at a poorly conserved position in the protein, it is predicted to be benign by multiple in silico algorithms, and/or has population frequency not consistent with disease.

Eurofins Ntd Llc (ga)
Classification: Benign. Last evaluated: 2013-08-07. Review status: criteria provided, single submitter. Criteria: EGL Classification Definitions 2015. Collection method: clinical testing. Allele origin: germline. Observed: 1 variant allele, 1 heterozygote.

Genetic Services Laboratory, University of Chicago
Classification: Benign. Last evaluated: 2013-02-08. Review status: criteria provided, single submitter. Criteria: ACMG Guidelines, 2007. Collection method: clinical testing. Allele origin: germline. Inheritance: Autosomal recessive inheritance.

Breakthrough Genomics
Classification: Benign. Review status: criteria provided, single submitter. Criteria: ACMG Guidelines, 2015. Collection method: not provided. Allele origin: germline. Inheritance: Autosomal recessive inheritance. Affected: yes.

Clinical Genetics DNA and cytogenetics Diagnostics Lab, Erasmus MC, Erasmus Medical Center
Classification: Benign. Review status: no assertion criteria provided. Collection method: clinical testing. Allele origin: germline. Affected: yes. Study: VKGL Data-share Consensus. Not counted in ClinVar's aggregate classification.

Laboratory of Diagnostic Genome Analysis, Leiden University Medical Center (LUMC)
Classification: Likely benign. Review status: no assertion criteria provided. Collection method: clinical testing. Allele origin: germline. Affected: yes. Study: VKGL Data-share Consensus. Not counted in ClinVar's aggregate classification.